The following is an entry in ClinVar:

ClinVar aggregate classification (germline): Uncertain significance (1 of 4 stars; one submission).

Conditions:
Neuropathy, hereditary sensory and autonomic, type 2A (HSAN2A). Also called: ACROOSTEOLYSIS, GIACCAI TYPE; ACROOSTEOLYSIS, NEUROGENIC; MORVAN DISEASE; NEUROPATHY, CONGENITAL SENSORY; NEUROPATHY, HEREDITARY SENSORY RADICULAR, AUTOSOMAL RECESSIVE; NEUROPATHY, HEREDITARY SENSORY, TYPE IIA. Identifiers: Orphanet 970, MedGen C2752089, MONDO:0024309, OMIM 201300.
Generalized epilepsy with febrile seizures plus, type 7 (GEFSP7). Also called: GEFS+, TYPE 7. Identifiers: Orphanet 36387, MedGen C2751778, MONDO:0013470, OMIM 613863.

gnomAD v4.1: 1 of 1,613,096 alleles (0.000062%); highest among the groups gnomAD compares: African/African-American, 0.0013%; no homozygotes.

Submission:

Labcorp Genetics (formerly Invitae), Labcorp
Classification: Uncertain significance for Neuropathy, hereditary sensory and autonomic, type 2A; Generalized epilepsy with febrile seizures plus, type 7. Last evaluated: 2025-05-05. Review status: criteria provided, single submitter. Criteria: Invitae Variant Classification Sherloc (09022015). Collection method: clinical testing. Allele origin: germline.
Comment: This sequence change replaces alanine, which is neutral and non-polar, with glycine, which is neutral and non-polar, at codon 1937 of the SCN9A protein (p.Ala1937Gly). This variant is not present in population databases (gnomAD no frequency). This variant has not been reported in the literature in individuals affected with SCN9A-related conditions. An algorithm developed to predict the effect of missense changes on protein structure and function outputs the following: PolyPhen-2: "Benign". The glycine amino acid residue is found in multiple mammalian species, which suggests that this missense change does not adversely affect protein function. In summary, the available evidence is currently insufficient to determine the role of this variant in disease. Therefore, it has been classified as a Variant of Uncertain Significance.

NM_001365536.1(SCN9A):c.5843C>G (p.Ala1948Gly)

Genes: SCN9A (sodium voltage-gated channel alpha subunit 9; minus strand), SCN1A-AS1 (SCN1A and SCN9A antisense RNA 1; plus strand). Cytogenetic location: 2q24.3.
Variant type: single nucleotide variant.
Coding change: c.5843C>G on transcript NM_001365536.1 (MANE Select); coding-DNA position 5843, C replaced by G.
Protein change: p.Ala1948Gly; replaces alanine 1948 with glycine.
Molecular consequence: missense variant.
Genome position (GRCh38, 1-based): chr2:166,198,796, G>C on the plus strand (C>G on the coding strand, the complement: SCN9A is on the minus strand). VCF-style: chr2-166198796-G-C. GRCh37 (hg19) VCF-style: chr2-167055306-G-C.
Other names: c.5810C>G, p.Ala1937Gly (NM_002977.4); short protein forms A1937G, A1948G.
Identifiers: ClinVar variation 4789357 (VCV004789357.1).
Genomic context (GRCh38, chr2:166,198,796, plus strand): 5'-TTCTCTTTGTCTGGCTTTGTTACACTATCATATGAAGGTGGAGAGGTGGTGGATGAAGTG[G>C]CATCTGTTTTTTCTGGACTTGAGTTCTCATTAACATTATCAAAAGCCATATCTTTTTTAT-3'
Protein context (NP_001352465.1, residues 1938-1958): NENSSPEKTD[Ala1948Gly]TSSTTSPPSY